The following is an entry in ClinVar:

NM_152564.5(VPS13B):c.907C>G (p.His303Asp)

Gene: VPS13B (vacuolar protein sorting 13 homolog B; plus strand). Cytogenetic location: 8q22.2.
Variant type: single nucleotide variant.
Coding change: c.907C>G on transcript NM_152564.5 (MANE Select); coding-DNA position 907, C replaced by G.
Protein change: p.His303Asp; replaces histidine 303 with aspartic acid.
Molecular consequence: missense variant. On other transcripts: non-coding transcript variant (1).
Genome position (GRCh38, 1-based): chr8:99,115,844, C>G. VCF-style: chr8-99115844-C-G. GRCh37 (hg19) VCF-style: chr8-100128072-C-G.
Other names: c.907C>G, p.His303Asp (NM_015243.3, NM_017890.5, NM_181661.3); short protein forms H303D.
Identifiers: ClinVar variation 972139 (VCV000972139.10), dbSNP rs1847628600, ClinGen allele CA371860666.

ClinVar aggregate classification (germline): Uncertain significance. Review status: criteria provided, single submitter (1 of 4 stars). 2 submissions from 2 submitters: Uncertain significance (1). 1 of the submissions does not count toward it. Last evaluated 2025-03-07.

Conditions:
Cohen syndrome (COH1). Also called: Cutis verticis gyrata, retinitis pigmentosa, and sensorineural deafness; PEPPER SYNDROME. Identifiers: Orphanet 193, MedGen C0265223, MONDO:0008999, OMIM 216550.

Submissions (2):

Labcorp Genetics (formerly Invitae), Labcorp
Classification: Uncertain significance for Cohen syndrome. Last evaluated: 2025-03-07. Review status: criteria provided, single submitter. Criteria: Invitae Variant Classification Sherloc (09022015). Collection method: clinical testing. Allele origin: germline.
Comment: This sequence change replaces histidine, which is basic and polar, with aspartic acid, which is acidic and polar, at codon 303 of the VPS13B protein (p.His303Asp). This variant is not present in population databases (gnomAD no frequency). This variant has not been reported in the literature in individuals affected with VPS13B-related conditions. ClinVar contains an entry for this variant (Variation ID: 972139). Invitae Evidence Modeling of protein sequence and biophysical properties (such as structural, functional, and spatial information, amino acid conservation, physicochemical variation, residue mobility, and thermodynamic stability) indicates that this missense variant is not expected to disrupt VPS13B protein function with a negative predictive value of 80%. In summary, the available evidence is currently insufficient to determine the role of this variant in disease. Therefore, it has been classified as a Variant of Uncertain Significance.

Natera, Inc.
Classification: Uncertain significance for Cohen syndrome. Last evaluated: 2021-09-28. Review status: no assertion criteria provided. Collection method: clinical testing. Allele origin: germline. Not counted in ClinVar's aggregate classification.